The following is an entry in ClinVar:

ClinVar aggregate classification (germline): Uncertain significance (1 of 4 stars; one submission).

Conditions:
T-cell immunodeficiency with epidermodysplasia verruciformis. Identifiers: Orphanet 324294, MedGen C4749500, MONDO:0017925.

Submission:

Labcorp Genetics (formerly Invitae), Labcorp
Classification: Uncertain significance for T-cell immunodeficiency with epidermodysplasia verruciformis. Last evaluated: 2018-08-03. Review status: criteria provided, single submitter. Criteria: Invitae Variant Classification Sherloc (09022015). Collection method: clinical testing. Allele origin: germline.
Comment: This variant results in a copy number gain of the genomic region encompassing the full coding sequence of the RHOH gene. The boundaries of this event are unknown as they extend beyond the assayed region for this gene and therefore may encompass additional genes. As the precise location of this event is unknown, it may be in tandem or it may be located elsewhere in the genome. This variant has not been reported in the literature in individuals with RHOH-related disease. In summary, the available evidence is currently insufficient to determine the role of this variant in disease. Therefore, it has been classified as a Variant of Uncertain Significance.

NC_000004.11:g.(?_40244987)_(40245602_?)dup

Gene: RHOH (ras homolog family member H; plus strand). Cytogenetic location: 4p14.
Variant type: Duplication.
Identifiers: ClinVar variation 646961 (VCV000646961.1).